The following is an entry in ClinVar:

NM_015909.4(NBAS):c.4982C>T (p.Thr1661Ile)

Gene: NBAS (NBAS subunit of NRZ tethering complex; minus strand). Cytogenetic location: 2p24.3.
Variant type: single nucleotide variant.
Coding change: c.4982C>T on transcript NM_015909.4 (MANE Select); coding-DNA position 4982, C replaced by T.
Protein change: p.Thr1661Ile; replaces threonine 1661 with isoleucine.
Molecular consequence: missense variant. On other transcripts: non-coding transcript variant (1).
Genome position (GRCh38, 1-based): chr2:15,292,582, G>A on the plus strand (C>T on the coding strand, the complement: NBAS is on the minus strand). VCF-style: chr2-15292582-G-A. GRCh37 (hg19) VCF-style: chr2-15432706-G-A.
Other names: short protein forms T1661I.
Identifiers: ClinVar variation 1435492 (VCV001435492.6), dbSNP rs2148112483, ClinGen allele CA345888828.
Genomic context (GRCh38, chr2:15,292,582, plus strand): 5'-AAGGGTATCACTTACTCTGCCAGACCAAGGATAGTTTCCCTTTTATACTGGTCATCTGCA[G>A]TAAACCGCTGCACGTCCACACCCTTCCGAAGGCCCTGAAGGATCTGCGCCTGAGTGAAAT-3'
Protein context (NP_056993.2, residues 1651-1671): LRKGVDVQRF[Thr1661Ile]ADDQYKRETI

ClinVar aggregate classification (germline): Uncertain significance (1 of 4 stars; one submission).

gnomAD v4.1: 1 of 1,614,184 alleles (0.000062%); highest among the groups gnomAD compares: Admixed American, 0.0017%; no homozygotes.

Submission:

Labcorp Genetics (formerly Invitae), Labcorp
Classification: Uncertain significance. Last evaluated: 2022-11-22. Review status: criteria provided, single submitter. Criteria: Invitae Variant Classification Sherloc (09022015). Collection method: clinical testing. Allele origin: germline.
Comment: This variant is not present in population databases (gnomAD no frequency). This sequence change replaces threonine, which is neutral and polar, with isoleucine, which is neutral and non-polar, at codon 1661 of the NBAS protein (p.Thr1661Ile). This variant has not been reported in the literature in individuals affected with NBAS-related conditions. In summary, the available evidence is currently insufficient to determine the role of this variant in disease. Therefore, it has been classified as a Variant of Uncertain Significance. Advanced modeling of protein sequence and biophysical properties (such as structural, functional, and spatial information, amino acid conservation, physicochemical variation, residue mobility, and thermodynamic stability) performed at Invitae indicates that this missense variant is not expected to disrupt NBAS protein function. ClinVar contains an entry for this variant (Variation ID: 1435492).